The following is an entry in ClinVar:

NM_001868.4(CPA1):c.520A>T (p.Ile174Phe)

Gene: CPA1 (carboxypeptidase A1; plus strand). Cytogenetic location: 7q32.2.
Variant type: single nucleotide variant.
Coding change: c.520A>T on transcript NM_001868.4 (MANE Select); coding-DNA position 520, A replaced by T.
Protein change: p.Ile174Phe; replaces isoleucine 174 with phenylalanine.
Molecular consequence: missense variant.
Genome position (GRCh38, 1-based): chr7:130,383,427, A>T. VCF-style: chr7-130383427-A-T. GRCh37 (hg19) VCF-style: chr7-130023268-A-T.
Other names: short protein forms I174F.
Identifiers: ClinVar variation 3221828 (VCV003221828.1), dbSNP rs1554411489, ClinGen allele CA369282242.

ClinVar aggregate classification (germline): Uncertain significance (1 of 4 stars; one submission).

Conditions:
Hereditary pancreatitis (PCTT). Also called: Hereditary chronic pancreatitis; PRSS1-Related Hereditary Pancreatitis. Identifiers: Orphanet 676, MedGen C0238339, MONDO:0008185, OMIM 167800.

Submission:

Ambry Genetics
Classification: Uncertain significance for Hereditary pancreatitis. Last evaluated: 2023-12-11. Review status: criteria provided, single submitter. Criteria: Ambry Variant Classification Scheme 2023. Collection method: clinical testing. Allele origin: germline.
Comment: The p.I174F variant (also known as c.520A>T), located in coding exon 5 of the CPA1 gene, results from an A to T substitution at nucleotide position 520. The isoleucine at codon 174 is replaced by phenylalanine, an amino acid with highly similar properties. This amino acid position is conserved. In addition, the in silico prediction for this alteration is inconclusive. Since supporting evidence is limited at this time, the clinical significance of this alteration remains unclear.